The following is an entry in ClinVar:

NM_001101648.2(NPC1L1):c.3777C>T (p.Pro1259=)

Gene: NPC1L1 (NPC1 like intracellular cholesterol transporter 1; minus strand). Cytogenetic location: 7p13.
Variant type: single nucleotide variant.
Coding change: c.3777C>T on transcript NM_001101648.2 (MANE Select); coding-DNA position 3777, C replaced by T.
Protein change: p.Pro1259=; no amino-acid change (proline 1259 retained).
Molecular consequence: synonymous variant.
Genome position (GRCh38, 1-based): chr7:44,515,822, G>A on the plus strand (C>T on the coding strand, the complement: NPC1L1 is on the minus strand). VCF-style: chr7-44515822-G-A. GRCh37 (hg19) VCF-style: chr7-44555421-G-A.
Other names: c.3858C>T, p.Pro1286= (NM_013389.3).
Identifiers: ClinVar variation 2657430 (VCV002657430.24), dbSNP rs115281590, ClinGen allele CA4241421.
Genomic context (GRCh38, chr7:44,515,822, plus strand): 5'-ATAATCATGACAGTCTGGTAGGAACAGGCCTGGGCACTCACCCACGTAGCTGAGGATGAC[G>A]GGCAGGAAGACCAAGCCATGCAGCAGGCCCAGCAGAGTGATCAGGAGGTTGAGGCGGAAG-3'
Protein context (NP_001095118.1, residues 1249-1269): LGLLHGLVFL[Pro1259=]VILSYVGPDV

ClinVar aggregate classification (germline): Likely benign (1 of 4 stars; one submission).

Allele frequency attached by ClinVar (database versions not stated): 1000 Genomes Project 30x 0.00031; 1000 Genomes Project 0.00040; TOPMed 0.00043; ESP Exome Variant Server 0.00069.

Submission:

CeGaT Center for Human Genetics Tuebingen
Classification: Likely benign. Last evaluated: 2022-07-01. Review status: criteria provided, single submitter. Criteria: CeGaT Center For Human Genetics Tuebingen Variant Classification Criteria Version 2. Collection method: clinical testing. Allele origin: germline. Affected: yes. Observed: 1 variant allele.
Comment: NPC1L1: BP4, BP7